The following is an entry in ClinVar:

ClinVar aggregate classification (germline): Likely pathogenic (1 of 4 stars; one submission).

Conditions:
Autosomal recessive nonsyndromic hearing loss 84B. Also called: Deafness, autosomal recessive 84b. Identifiers: Orphanet 90636, MedGen C3554159, MONDO:0013984, OMIM 614944.

Submission:

Juno Genomics, Hangzhou Juno Genomics, Inc
Classification: Likely pathogenic for Autosomal recessive nonsyndromic hearing loss 84B. Review status: criteria provided, single submitter. Criteria: ACMG Guidelines, 2015. Collection method: clinical testing. Allele origin: germline.
Comment: Null variant in a gene where loss of function (LOF) is a known mechanism of disease.;Absent from controls (or at extremely low frequency if recessive) in Genome Aggregation Database.

NM_001378609.3(OTOGL):c.3929del (p.Phe1310fs)

Gene: OTOGL (otogelin like; plus strand). Cytogenetic location: 12q21.31.
Variant type: Deletion.
Coding change: c.3929del on transcript NM_001378609.3 (MANE Select); coding-DNA position 3929, one base deleted (T; older notation c.3929delT).
Protein change: p.Phe1310fs; shifts the reading frame from phenylalanine 1310.
Molecular consequence: frameshift variant.
Genome position (GRCh38, 1-based): chr12:80,320,548, T deleted; the last of 5 consecutive T bases (chr12:80,320,544-80,320,548); deleting any one gives the same sequence. VCF-style (leftmost placement, unchanged base first): chr12-80320543-AT-A. GRCh37 (hg19) VCF-style: chr12-80714323-AT-A.
Other names: c.3794del, p.Phe1265fs (NM_001368062.3); c.3929del, p.Phe1310fs (NM_001378610.3, NM_173591.7); short protein forms F1265fs, F1310fs.
Identifiers: ClinVar variation 5005167 (VCV005005167.2).